The following is an entry in ClinVar:

NM_000122.2(ERCC3):c.662C>T (p.Ser221Phe)

Gene: ERCC3 (ERCC excision repair 3, TFIIH core complex helicase subunit; minus strand). Cytogenetic location: 2q14.3.
Variant type: single nucleotide variant.
Coding change: c.662C>T on transcript NM_000122.2 (MANE Select); coding-DNA position 662, C replaced by T.
Protein change: p.Ser221Phe; replaces serine 221 with phenylalanine.
Molecular consequence: missense variant.
Genome position (GRCh38, 1-based): chr2:127,289,497, G>A on the plus strand (C>T on the coding strand, the complement: ERCC3 is on the minus strand). VCF-style: chr2-127289497-G-A. GRCh37 (hg19) VCF-style: chr2-128047073-G-A.
Other names: c.470C>T, p.Ser157Phe (NM_001303416.2, NM_001303418.2); short protein forms S157F, S221F.
Identifiers: ClinVar variation 1692170 (VCV001692170.1), dbSNP rs1167535533, ClinGen allele CA348390986.

ClinVar aggregate classification (germline): Uncertain significance (1 of 4 stars; one submission).

Conditions:
Xeroderma pigmentosum (XP). Identifiers: Orphanet 910, MedGen C0043346, MONDO:0019600.

Allele frequency attached by ClinVar (database versions not stated): gnomAD 0.00001.
gnomAD v4.1: 2 of 1,612,368 alleles (0.00012%); highest among the groups gnomAD compares: African/African-American, 0.0013%; no homozygotes.

Submission:

Sema4
Classification: Uncertain significance for Xeroderma pigmentosum. Last evaluated: 2021-12-07. Review status: criteria provided, single submitter. Criteria: Sema4 Curation Guidelines. Collection method: curation. Allele origin: germline.
Comment: The ERCC3 c.662C>T (p.S221F) variant has not been reported in the literature to our knowledge. It was observed in 1/15432 chromosomes of the Non-Finnish European subpopulation in the large and broad cohorts of the Genome Aggregation Database (PMID: 32461654). The variant has not been reported in ClinVar. In silico tools suggest the impact of the variant on protein function is benign, though these predictions have not been confirmed by functional studies. The evidence is insufficient to meet ACMG/AMP criteria for classifying the variant as benign or pathogenic. Thus, the clinical significance of this variant is currently uncertain.